The following is an entry in ClinVar:

ClinVar aggregate classification (germline): Likely pathogenic (1 of 4 stars; one submission).

Conditions:
Bethlem myopathy 1A. Also called: Bethlem myopathy 1; MYOPATHY, BENIGN CONGENITAL, WITH CONTRACTURES; Bethlem Muscular Dystrophy. Identifiers: Orphanet 610, MedGen CN029274, MONDO:0024530, OMIM 158810.

Allele frequency attached by ClinVar (database versions not stated): gnomAD 0.00001.
gnomAD v4.1: 5 of 1,609,176 alleles (0.00031%); highest among the groups gnomAD compares: South Asian, 0.0055%; no homozygotes.

Submission:

Labcorp Genetics (formerly Invitae), Labcorp
Classification: Likely pathogenic for Bethlem myopathy 1A. Last evaluated: 2023-04-26. Review status: criteria provided, single submitter. Criteria: Invitae Variant Classification Sherloc (09022015). Collection method: clinical testing. Allele origin: germline.
Comment: In summary, the currently available evidence indicates that the variant is pathogenic, but additional data are needed to prove that conclusively. Therefore, this variant has been classified as Likely Pathogenic. Algorithms developed to predict the effect of sequence changes on RNA splicing suggest that this variant may disrupt the consensus splice site. This variant has not been reported in the literature in individuals affected with COL6A3-related conditions. This variant is present in population databases (rs761453030, gnomAD 0.003%). This sequence change affects an acceptor splice site in intron 9 of the COL6A3 gene. It is expected to disrupt RNA splicing. Variants that disrupt the donor or acceptor splice site typically lead to a loss of protein function (PMID: 16199547), and loss-of-function variants in COL6A3 are known to be pathogenic (PMID: 26004199).

Literature cited by the submitters: PubMed 16199547; PubMed 26004199.

NM_004369.4(COL6A3):c.4286-2A>C

Gene: COL6A3 (collagen type VI alpha 3 chain; minus strand). Cytogenetic location: 2q37.3.
Variant type: single nucleotide variant.
Coding change: c.4286-2A>C on transcript NM_004369.4 (MANE Select); the canonical splice acceptor site of the intron before coding-DNA position 4286, A replaced by C.
Molecular consequence: splice acceptor variant.
Genome position (GRCh38, 1-based): chr2:237,369,179, T>G on the plus strand (A>C on the coding strand, the complement: COL6A3 is on the minus strand). VCF-style: chr2-237369179-T-G. GRCh37 (hg19) VCF-style: chr2-238277822-T-G.
Other names: c.2465-2A>C (NM_057166.5); c.3668-2A>C (NM_057167.4).
Identifiers: ClinVar variation 2823290 (VCV002823290.3), dbSNP rs761453030, ClinGen allele CA2188926.